The following is an entry in ClinVar:

NM_001267550.2(TTN):c.80197G>A (p.Val26733Met)

Genes: TTN (titin; minus strand), TTN-AS1 (TTN antisense RNA 1; plus strand). Cytogenetic location: 2q31.2.
Variant type: single nucleotide variant.
Coding change: c.80197G>A on transcript NM_001267550.2 (MANE Select); coding-DNA position 80197, G replaced by A.
Protein change: p.Val26733Met; replaces valine 26733 with methionine.
Molecular consequence: missense variant.
Genome position (GRCh38, 1-based): chr2:178,565,935, C>T on the plus strand (G>A on the coding strand, the complement: TTN is on the minus strand). VCF-style: chr2-178565935-C-T. GRCh37 (hg19) VCF-style: chr2-179430662-C-T.
Other names: c.75274G>A, p.Val25092Met (NM_001256850.1); c.53002G>A, p.Val17668Met (NM_003319.4); c.72493G>A, p.Val24165Met (NM_133378.4); c.53377G>A, p.Val17793Met (NM_133432.3); c.53578G>A, p.Val17860Met (NM_133437.4); short protein forms V17668M, V17793M, V17860M, V24165M, V25092M, V26733M.
Identifiers: ClinVar variation 3365764 (VCV003365764.1).

ClinVar aggregate classification (germline): Uncertain significance (1 of 4 stars; one submission).

gnomAD v4.1: 22 of 1,613,644 alleles (0.0014%); highest among the groups gnomAD compares: Non-Finnish European, 0.0018%; no homozygotes.

Submission:

GeneDx
Classification: Uncertain significance. Last evaluated: 2023-12-20. Review status: criteria provided, single submitter. Criteria: GeneDx Variant Classification Process June 2021. Collection method: clinical testing. Allele origin: germline. Affected: yes.
Comment: Not observed at significant frequency in large population cohorts (gnomAD); Missense variant in a gene in which most reported pathogenic variants are truncating/loss of function; Has not been previously published as pathogenic or benign to our knowledge